The following is an entry in ClinVar:

ClinVar aggregate classification (germline): Uncertain significance (1 of 4 stars; one submission).

gnomAD v4.1: 33 of 1,613,900 alleles (0.002%); highest among the groups gnomAD compares: East Asian, 0.065%; no homozygotes.

Submission:

GeneDx
Classification: Uncertain significance. Last evaluated: 2024-12-11. Review status: criteria provided, single submitter. Criteria: GeneDx Variant Classification Process June 2021. Collection method: clinical testing. Allele origin: germline. Affected: yes.
Comment: In silico analysis supports that this missense variant has a deleterious effect on protein structure/function; This variant is associated with the following publications: (PMID: 34218205)

NM_001291303.3(FAT4):c.3177C>A (p.Asp1059Glu)

Gene: FAT4 (FAT atypical cadherin 4; plus strand). Cytogenetic location: 4q28.1.
Variant type: single nucleotide variant.
Coding change: c.3177C>A on transcript NM_001291303.3 (MANE Select); coding-DNA position 3177, C replaced by A.
Protein change: p.Asp1059Glu; replaces aspartic acid 1059 with glutamic acid.
Molecular consequence: missense variant.
Genome position (GRCh38, 1-based): chr4:125,319,588, C>A. VCF-style: chr4-125319588-C-A. GRCh37 (hg19) VCF-style: chr4-126240743-C-A.
Other names: c.3177C>A, p.Asp1059Glu (NM_001291285.3, NM_024582.6); short protein forms D1059E.
Identifiers: ClinVar variation 3906513 (VCV003906513.1).
Genomic context (GRCh38, chr4:125,319,588, plus strand): 5'-TACAGGGGATGCTTTTGGCATATTCCCAGATGGTCAATTGTATATAAAAAGTGAACTGGA[C>A]CGTGAACTTCAAGACAGATATGTTTTAATGGTTGTTGCTTCTGACAGAGCAGTGGAACCC-3'
Protein context (NP_001278232.1, residues 1049-1069): DGQLYIKSEL[Asp1059Glu]RELQDRYVLM